The following is an entry in ClinVar:

ClinVar aggregate classification (germline): Uncertain significance (1 of 4 stars; one submission).

Submission:

Ambry Genetics
Classification: Uncertain significance. Last evaluated: 2024-04-28. Review status: criteria provided, single submitter. Criteria: Ambry Variant Classification Scheme 2023. Collection method: clinical testing. Allele origin: germline.
Comment: The p.I272T variant (also known as c.815T>C), located in coding exon 8 of the RAD54L gene, results from a T to C substitution at nucleotide position 815. The isoleucine at codon 272 is replaced by threonine, an amino acid with similar properties. This amino acid position is conserved. In addition, this alteration is predicted to be deleterious by in silico analysis. Based on the available evidence, the clinical significance of this variant remains unclear.

NM_003579.4(RAD54L):c.815T>C (p.Ile272Thr)

Gene: RAD54L (RAD54 like; plus strand). Cytogenetic location: 1p34.1.
Variant type: single nucleotide variant.
Coding change: c.815T>C on transcript NM_003579.4 (MANE Select); coding-DNA position 815, T replaced by C.
Protein change: p.Ile272Thr; replaces isoleucine 272 with threonine.
Molecular consequence: missense variant.
Genome position (GRCh38, 1-based): chr1:46,261,309, T>C. VCF-style: chr1-46261309-T-C. GRCh37 (hg19) VCF-style: chr1-46726981-T-C.
Other names: c.815T>C, p.Ile272Thr (NM_001142548.2); c.275T>C, p.Ile92Thr (NM_001370766.1); short protein forms I92T, I272T.
Identifiers: ClinVar variation 3312439 (VCV003312439.1).